The following is an entry in ClinVar:

NM_000089.4(COL1A2):c.657T>G (p.Pro219=)

Gene: COL1A2 (collagen type I alpha 2 chain; plus strand). Cytogenetic location: 7q21.3.
Variant type: single nucleotide variant.
Coding change: c.657T>G on transcript NM_000089.4 (MANE Select); coding-DNA position 657, T replaced by G.
Protein change: p.Pro219=; no amino-acid change (proline 219 retained).
Molecular consequence: synonymous variant.
Genome position (GRCh38, 1-based): chr7:94,408,200, T>G. VCF-style: chr7-94408200-T-G. GRCh37 (hg19) VCF-style: chr7-94037512-T-G.
Other names: c.657T>G (NM_000089.3).
Identifiers: ClinVar variation 1094359 (VCV001094359.12), dbSNP rs771837515, ClinGen allele CA4346760.
Genomic context (GRCh38, chr7:94,408,200, plus strand): 5'-AAATTAGCATTCTGGATTTTATTGAAAATATTTCTGCTTCTAGGGAGCCCGTGGGCTTCC[T>G]GGTGAGAGAGGACGTGTTGGTGCCCCTGGCCCAGCTGTAAGTGCTTCCATTTTTGTTCAG-3'
Protein context (NP_000080.2, residues 209-229): TPGQTGARGL[Pro219=]GERGRVGAPG

ClinVar aggregate classification (germline): Likely benign. Review status: criteria provided, multiple submitters, no conflicts (2 of 4 stars). 3 submissions from 3 submitters: Likely benign (3). Last evaluated 2026-05-05.

Conditions:
Ehlers-Danlos syndrome, classic type, 1 (EDSCL1). Also called: EDS I; EHLERS-DANLOS SYNDROME, GRAVIS TYPE; EHLERS-DANLOS SYNDROME, SEVERE CLASSIC TYPE; Ehlers-Danlos Syndrome, Classic Type, COL5A1-Related; Ehlers-Danlos syndrome, type 1. Identifiers: MedGen C0268335, MONDO:0019567, OMIM 130000.
Osteogenesis imperfecta type I (OI1). Also called: Lobstein disease; Osteogenesis imperfecta type 1; Classic Non-deforming Osteogenesis Imperfecta with Blue Sclerae; OI, TYPE I; OSTEOGENESIS IMPERFECTA TARDA; OSTEOGENESIS IMPERFECTA WITH BLUE SCLERAE. Identifiers: Orphanet 216796, Orphanet 666, MedGen C0023931, MONDO:0008146, OMIM 166200. Disease mechanism: loss of function.
COL1A2-related disorder. Also called: COL1A2-related condition; COL1A2-Related Disorders.
Cardiovascular phenotype. Identifiers: MedGen CN230736.

Allele frequency attached by ClinVar (database versions not stated): ExAC 0.00001; gnomAD exomes 0.00001; gnomAD 0.00002.
gnomAD v4.1: 31 of 1,613,986 alleles (0.0019%); highest among the groups gnomAD compares: Non-Finnish European, 0.0021%; no homozygotes.

Submissions (3):

PreventionGenetics, part of Exact Sciences
Classification: Likely benign for COL1A2-related condition. Last evaluated: 2026-05-05. Review status: criteria provided, single submitter. Criteria: ACMG Guidelines, 2015. Collection method: clinical testing. Allele origin: germline.
Comment: This variant is classified as likely benign based on ACMG/AMP sequence variant interpretation guidelines (Richards et al. 2015 PMID: 25741868, with internal and published modifications).

Labcorp Genetics (formerly Invitae), Labcorp
Classification: Likely benign for Osteogenesis imperfecta type I; Ehlers-Danlos syndrome, classic type, 1. Last evaluated: 2025-09-10. Review status: criteria provided, single submitter. Criteria: Invitae Variant Classification Sherloc (09022015). Collection method: clinical testing. Allele origin: germline.

Ambry Genetics
Classification: Likely benign for Cardiovascular phenotype. Last evaluated: 2025-02-20. Review status: criteria provided, single submitter. Criteria: Ambry Variant Classification Scheme 2023. Collection method: clinical testing. Allele origin: germline.